The following is an entry in ClinVar:

NM_000540.3(RYR1):c.10626+1G>A

Gene: RYR1 (ryanodine receptor 1; plus strand). Cytogenetic location: 19q13.2.
Variant type: single nucleotide variant.
Coding change: c.10626+1G>A on transcript NM_000540.3 (MANE Select); the canonical splice donor site of the intron after coding-DNA position 10626, G replaced by A.
Molecular consequence: splice donor variant.
Genome position (GRCh38, 1-based): chr19:38,525,503, G>A. VCF-style: chr19-38525503-G-A. GRCh37 (hg19) VCF-style: chr19-39016143-G-A.
Other names: c.10611+1G>A (NM_001042723.2).
Identifiers: ClinVar variation 2894666 (VCV002894666.3), dbSNP rs113100043, ClinGen allele CA308080892.
Genomic context (GRCh38, chr19:38,525,503, plus strand): 5'-AATATGTGTGCGCCCACCGACCAAGACCTCATCACGCTGGCCAAGACCCGTTACGCCCTG[G>A]TGCCTGCCCAGCCCCGTCCTCGGAACCTTCCAGGATGCCGCCCAGCACCCACTGAACCCC-3'

ClinVar aggregate classification (germline): Likely pathogenic (1 of 4 stars; one submission).

Conditions:
RYR1-related disorder. Also called: RYR1-related condition; RYR1-related disorders. Identifiers: MedGen CN239331.

Allele frequency attached by ClinVar (database versions not stated): TOPMed below 0.00001.

Submission:

Labcorp Genetics (formerly Invitae), Labcorp
Classification: Likely pathogenic for RYR1-related disorder. Last evaluated: 2023-08-07. Review status: criteria provided, single submitter. Criteria: Invitae Variant Classification Sherloc (09022015). Collection method: clinical testing. Allele origin: germline.
Comment: This variant is not present in population databases (gnomAD no frequency). This sequence change affects a donor splice site in intron 71 of the RYR1 gene. It is expected to disrupt RNA splicing. Variants that disrupt the donor or acceptor splice site typically lead to a loss of protein function (PMID: 16199547), and loss-of-function variants in RYR1 are known to be pathogenic (PMID: 23919265, 25960145, 28818389, 30611313). This variant has not been reported in the literature in individuals affected with RYR1-related conditions. In summary, the currently available evidence indicates that the variant is pathogenic, but additional data are needed to prove that conclusively. Therefore, this variant has been classified as Likely Pathogenic. Algorithms developed to predict the effect of sequence changes on RNA splicing suggest that this variant may disrupt the consensus splice site.

Literature cited by the submitters: PubMed 16199547; PubMed 23919265; PubMed 25960145; PubMed 28818389; PubMed 30611313.